The following is an entry in ClinVar:

ClinVar aggregate classification (germline): Uncertain significance. Review status: criteria provided, multiple submitters, no conflicts (2 of 4 stars). 2 submissions from 2 submitters: Uncertain significance (2). Last evaluated 2026-01-05.

Conditions:
Achondrogenesis, type IA (ACG1A). Identifiers: Orphanet 932, Orphanet 93299, MedGen C0265273, MONDO:0008701, OMIM 200600.
Inborn genetic diseases. Identifiers: MedGen C0950123, MeSH D030342.

Allele frequency attached by ClinVar (database versions not stated): gnomAD 0.00001; TOPMed 0.00001.
gnomAD v4.1: 29 of 1,613,562 alleles (0.0018%); highest among the groups gnomAD compares: Non-Finnish European, 0.0024%; no homozygotes.

Submissions (2):

Labcorp Genetics (formerly Invitae), Labcorp
Classification: Uncertain significance for Achondrogenesis, type IA. Last evaluated: 2026-01-05. Review status: criteria provided, single submitter. Criteria: Invitae Variant Classification Sherloc (09022015). Collection method: clinical testing. Allele origin: germline.
Comment: This sequence change replaces aspartic acid, which is acidic and polar, with asparagine, which is neutral and polar, at codon 941 of the TRIP11 protein (p.Asp941Asn). This variant is present in population databases (no rsID available, gnomAD 0.002%). This variant has not been reported in the literature in individuals affected with TRIP11-related conditions. ClinVar contains an entry for this variant (Variation ID: 2906595). Invitae Evidence Modeling of protein sequence and biophysical properties (such as structural, functional, and spatial information, amino acid conservation, physicochemical variation, residue mobility, and thermodynamic stability) indicates that this missense variant is not expected to disrupt TRIP11 protein function with a negative predictive value of 80%. In summary, the available evidence is currently insufficient to determine the role of this variant in disease. Therefore, it has been classified as a Variant of Uncertain Significance.

Ambry Genetics
Classification: Uncertain significance for Inborn genetic diseases. Last evaluated: 2024-10-09. Review status: criteria provided, single submitter. Criteria: Ambry Variant Classification Scheme 2023. Collection method: clinical testing. Allele origin: germline.

NM_004239.4(TRIP11):c.2821G>A (p.Asp941Asn)

Gene: TRIP11 (thyroid hormone receptor interactor 11; minus strand). Cytogenetic location: 14q32.12.
Variant type: single nucleotide variant.
Coding change: c.2821G>A on transcript NM_004239.4 (MANE Select); coding-DNA position 2821, G replaced by A.
Protein change: p.Asp941Asn; replaces aspartic acid 941 with asparagine.
Molecular consequence: missense variant.
Genome position (GRCh38, 1-based): chr14:92,005,155, C>T on the plus strand (G>A on the coding strand, the complement: TRIP11 is on the minus strand). VCF-style: chr14-92005155-C-T. GRCh37 (hg19) VCF-style: chr14-92471499-C-T.
Other names: c.2821G>A (NM_004239.3); c.2818G>A, p.Asp940Asn (NM_001321851.1); short protein forms D940N, D941N.
Identifiers: ClinVar variation 2906595 (VCV002906595.4), dbSNP rs1444657577, ClinGen allele CA390655667.
Genomic context (GRCh38, chr14:92,005,155, plus strand): 5'-TCTCTAAAAAGAGCTGGGTGTGTGTGGCGTTCATTTGCTCATGCTGGTATCTAAACTCAT[C>T]CATTTCCTTCTTTTGCTCTTGTAAAGACTGAAGTAGTTGCATCTTACTCTGGTTTTGATC-3'
Protein context (NP_004230.2, residues 931-951): QSLQEQKKEM[Asp941Asn]EFRYQHEQMN